The following is an entry in ClinVar:

ClinVar aggregate classification (germline): Uncertain significance (1 of 4 stars; one submission).

Conditions:
Intellectual developmental disorder, X-linked 103. Also called: Intellectual disability, X-linked 103. Identifiers: MedGen C4310818, MONDO:0010508, OMIM 300982.

Submission:

Baylor Genetics
Classification: Uncertain significance for Intellectual developmental disorder, X-linked 103. Last evaluated: 2019-01-02. Review status: criteria provided, single submitter. Criteria: ACMG Guidelines, 2015. Collection method: clinical testing. Allele origin: de novo. Affected: yes.
Comment: This variant was determined to be of uncertain significance according to ACMG Guidelines, 2015 [PMID:25741868].

NM_030624.3(KLHL15):c.710A>T (p.Lys237Met)

Gene: KLHL15 (kelch like family member 15; minus strand). Cytogenetic location: Xp22.11.
Variant type: single nucleotide variant.
Coding change: c.710A>T on transcript NM_030624.3 (MANE Select); coding-DNA position 710, A replaced by T.
Protein change: p.Lys237Met; replaces lysine 237 with methionine.
Molecular consequence: missense variant.
Genome position (GRCh38, 1-based): chrX:23,989,026, T>A on the plus strand (A>T on the coding strand, the complement: KLHL15 is on the minus strand). VCF-style: chrX-23989026-T-A. GRCh37 (hg19) VCF-style: chrX-24007143-T-A.
Other names: short protein forms K237M.
Identifiers: ClinVar variation 1028386 (VCV001028386.1), dbSNP rs1929031015, ClinGen allele CA412593356.